The following is an entry in ClinVar:

NM_000138.5(FBN1):c.4454G>C (p.Cys1485Ser)

Gene: FBN1 (fibrillin 1; minus strand). Cytogenetic location: 15q21.1.
Variant type: single nucleotide variant.
Coding change: c.4454G>C on transcript NM_000138.5 (MANE Select); coding-DNA position 4454, G replaced by C.
Protein change: p.Cys1485Ser; replaces cysteine 1485 with serine.
Molecular consequence: missense variant.
Genome position (GRCh38, 1-based): chr15:48,470,639, C>G on the plus strand (G>C on the coding strand, the complement: FBN1 is on the minus strand). VCF-style: chr15-48470639-C-G. GRCh37 (hg19) VCF-style: chr15-48762836-C-G.
Other names: short protein forms C1485S.
Identifiers: ClinVar variation 237092 (VCV000237092.9), dbSNP rs111978932, ClinGen allele CA10583246.

ClinVar aggregate classification (germline): Pathogenic (1 of 4 stars; one submission).

Conditions:
Marfan syndrome (MFS). Also called: MARFAN SYNDROME, TYPE I; FBN1-Related Marfan Syndrome; Marfan syndrome, classic; Marfan syndrome type 1; Marfan's syndrome. Identifiers: Orphanet 284963, Orphanet 558, MedGen C0024796, MONDO:0007947, OMIM 154700.
Familial thoracic aortic aneurysm and aortic dissection (TAAD). Also called: Thoracic aortic aneurysms and dissections. Identifiers: Orphanet 91387, MedGen C4707243, MONDO:0019625.

Submission:

Labcorp Genetics (formerly Invitae), Labcorp
Classification: Pathogenic for Marfan syndrome; Familial thoracic aortic aneurysm and aortic dissection. Last evaluated: 2024-10-27. Review status: criteria provided, single submitter. Criteria: Invitae Variant Classification Sherloc (09022015). Collection method: clinical testing. Allele origin: germline.
Comment: This sequence change replaces cysteine, which is neutral and slightly polar, with serine, which is neutral and polar, at codon 1485 of the FBN1 protein (p.Cys1485Ser). This variant is not present in population databases (gnomAD no frequency). This missense change has been observed in individual(s) with clinical features of Marfan syndrome (internal data). ClinVar contains an entry for this variant (Variation ID: 237092). Invitae Evidence Modeling of protein sequence and biophysical properties (such as structural, functional, and spatial information, amino acid conservation, physicochemical variation, residue mobility, and thermodynamic stability) indicates that this missense variant is expected to disrupt FBN1 protein function with a positive predictive value of 95%. This variant affects a cysteine residue in the EGF-like, TGFBP or hybrid motif domains of FBN1. Cysteine residues are believed to be involved in intramolecular disulfide bridges and have been shown to be important for FBN1 protein structure (PMID: 16905551, 19349279). In addition, missense substitutions affecting cysteine residues within these domains are significantly overrepresented among patients with Marfan syndrome (PMID: 16571647, 17701892). This variant disrupts the p.Cys1485 amino acid residue in FBN1. Other variant(s) that disrupt this residue have been observed in individuals with FBN1-related conditions (PMID: 17657824, 24078565; internal data), which suggests that this may be a clinically significant amino acid residue. For these reasons, this variant has been classified as Pathogenic.

Literature cited by the submitters: PubMed 16905551; PubMed 19349279; PubMed 16571647; PubMed 17701892; PubMed 17657824; PubMed 24078565.